The following is an entry in ClinVar:

ClinVar aggregate classification (germline): Likely benign (1 of 4 stars; one submission).

Allele frequency attached by ClinVar (database versions not stated): gnomAD 0.02160 and 0.02588; TOPMed 0.03111; 1000 Genomes Project 0.07568; 1000 Genomes Project 30x 0.07730.
gnomAD v4.1: 3,937 of 152,236 alleles (2.6%); highest among the groups gnomAD compares: East Asian, 17%; 307 homozygotes.

Submission:

GeneDx
Classification: Likely benign. Last evaluated: 2018-06-18. Review status: criteria provided, single submitter. Criteria: GeneDx Variant Classification (06012015). Collection method: clinical testing. Allele origin: germline. Affected: yes.
Comment: This variant is considered likely benign or benign based on one or more of the following criteria: it is a conservative change, it occurs at a poorly conserved position in the protein, it is predicted to be benign by multiple in silico algorithms, and/or has population frequency not consistent with disease.

NM_016373.4(WWOX):c.605+283G>C

Gene: WWOX (WW domain containing oxidoreductase; plus strand). Cytogenetic location: 16q23.1.
Variant type: single nucleotide variant.
Coding change: c.605+283G>C on transcript NM_016373.4 (MANE Select); 283 bases into the intron after coding-DNA position 605, G replaced by C.
Molecular consequence: intron variant.
Genome position (GRCh38, 1-based): chr16:78,387,231, G>C. VCF-style: chr16-78387231-G-C. GRCh37 (hg19) VCF-style: chr16-78421128-G-C.
Other names: c.266+283G>C (NM_001291997.2).
Identifiers: ClinVar variation 668842 (VCV000668842.1), dbSNP rs74889158, ClinGen allele CA284568306.
Genomic context (GRCh38, chr16:78,387,231, plus strand): 5'-AAAGAGAAGACACTATTAAAGCACTAGTAAAAGTGGCTAATAAAAGCTTGGCAATAGTAA[G>C]ATGCATCCTGATTATAAGATTTTTTGTAGTGCATTTCAGAATGGAGTAAGAGTATATTTA-3'